The following is an entry in ClinVar:

NM_001966.4(EHHADH):c.1087C>T (p.Pro363Ser)

Gene: EHHADH (enoyl-CoA hydratase and 3-hydroxyacyl CoA dehydrogenase; minus strand). Cytogenetic location: 3q27.2.
Variant type: single nucleotide variant.
Coding change: c.1087C>T on transcript NM_001966.4 (MANE Select); coding-DNA position 1087, C replaced by T.
Protein change: p.Pro363Ser; replaces proline 363 with serine.
Molecular consequence: missense variant.
Genome position (GRCh38, 1-based): chr3:185,193,311, G>A on the plus strand (C>T on the coding strand, the complement: EHHADH is on the minus strand). VCF-style: chr3-185193311-G-A. GRCh37 (hg19) VCF-style: chr3-184911099-G-A.
Other names: p.Pro363Ser; c.799C>T, p.Pro267Ser (NM_001166415.2); short protein forms P267S, P363S.
Identifiers: ClinVar variation 2682854 (VCV002682854.1), dbSNP rs376485820, ClinGen allele CA89554041.
Genomic context (GRCh38, chr3:185,193,311, plus strand): 5'-ATACTGCTTCAATGACTAAATCTACACCACCAAGCTCCTTCACAGATGAAGTTAACCTGG[G>A]TTTTGGTCCTGACCAAGGGTGGCCGCTCTGTTGCATTTTGGAGGCTTCTTTTTCCAAGAC-3'
Protein context (NP_001957.2, residues 353-373): QSGHPWSGPK[Pro363Ser]RLTSSVKELG

ClinVar aggregate classification (germline): Uncertain significance (1 of 4 stars; one submission).

Allele frequency attached by ClinVar (database versions not stated): TOPMed 0.00002; ESP Exome Variant Server 0.00008.

Submission:

Mayo Clinic Laboratories, Mayo Clinic
Classification: Uncertain significance. Last evaluated: 2023-05-11. Review status: criteria provided, single submitter. Criteria: ACMG Guidelines, 2015. Collection method: clinical testing. Allele origin: germline. Observed: 1 variant allele.
Comment: BP4, PM2